The following is an entry in ClinVar:

NM_014141.6(CNTNAP2):c.2900G>T (p.Cys967Phe)

Genes: CNTNAP2 (contactin associated protein 2; plus strand), LOC126860216 (BRD4-independent group 4 enhancer GRCh37_chr7:147868766-147869965; plus strand). Cytogenetic location: 7q35.
Variant type: single nucleotide variant.
Coding change: c.2900G>T on transcript NM_014141.6 (MANE Select); coding-DNA position 2900, G replaced by T.
Protein change: p.Cys967Phe; replaces cysteine 967 with phenylalanine.
Molecular consequence: missense variant.
Genome position (GRCh38, 1-based): chr7:148,172,368, G>T. VCF-style: chr7-148172368-G-T. GRCh37 (hg19) VCF-style: chr7-147869460-G-T.
Other names: short protein forms C967F.
Identifiers: ClinVar variation 1717308 (VCV001717308.6), dbSNP rs1805809291, ClinGen allele CA369928568.

ClinVar aggregate classification (germline): Uncertain significance (1 of 4 stars; one submission).

Conditions:
Cortical dysplasia-focal epilepsy syndrome (PTHSL1). Also called: Pitt-Hopkins-like syndrome 1. Identifiers: Orphanet 163681, Orphanet 221150, MedGen C2750246, MONDO:0012400, OMIM 610042.

Allele frequency attached by ClinVar (database versions not stated): gnomAD exomes below 0.00001; TOPMed below 0.00001.
gnomAD v4.1: 1 of 1,614,138 alleles (0.000062%); highest among the groups gnomAD compares: Non-Finnish European, 0.000085%; no homozygotes.

Submission:

Labcorp Genetics (formerly Invitae), Labcorp
Classification: Uncertain significance for Cortical dysplasia-focal epilepsy syndrome. Last evaluated: 2022-08-21. Review status: criteria provided, single submitter. Criteria: Invitae Variant Classification Sherloc (09022015). Collection method: clinical testing. Allele origin: germline.
Comment: Algorithms developed to predict the effect of missense changes on protein structure and function (SIFT, PolyPhen-2, Align-GVGD) all suggest that this variant is likely to be disruptive. In summary, the available evidence is currently insufficient to determine the role of this variant in disease. Therefore, it has been classified as a Variant of Uncertain Significance. This variant has not been reported in the literature in individuals affected with CNTNAP2-related conditions. This variant is not present in population databases (gnomAD no frequency). This sequence change replaces cysteine, which is neutral and slightly polar, with phenylalanine, which is neutral and non-polar, at codon 967 of the CNTNAP2 protein (p.Cys967Phe).